The following is an entry in ClinVar:

ClinVar aggregate classification (germline): Uncertain significance (1 of 4 stars; one submission).

Conditions:
Developmental and epileptic encephalopathy, 54. Also called: HNRNPU-Related Neurodevelopmental Disorder; Epileptic encephalopathy, early infantile, 54. Identifiers: MedGen C4479319, MONDO:0033363, OMIM 617391.

Allele frequency attached by ClinVar (database versions not stated): gnomAD exomes 0.00001; TOPMed 0.00004; gnomAD 0.00005.

Submission:

Labcorp Genetics (formerly Invitae), Labcorp
Classification: Uncertain significance for Developmental and epileptic encephalopathy, 54. Last evaluated: 2023-08-10. Review status: criteria provided, single submitter. Criteria: Invitae Variant Classification Sherloc (09022015). Collection method: clinical testing. Allele origin: germline.
Comment: In summary, the available evidence is currently insufficient to determine the role of this variant in disease. Therefore, it has been classified as a Variant of Uncertain Significance. An algorithm developed to predict the effect of missense changes on protein structure and function (PolyPhen-2) suggests that this variant is likely to be tolerated. This sequence change replaces glutamic acid, which is acidic and polar, with glutamine, which is neutral and polar, at codon 124 of the HNRNPU protein (p.Glu124Gln). This variant is present in population databases (no rsID available, gnomAD 0.006%). This variant has not been reported in the literature in individuals affected with HNRNPU-related conditions. ClinVar contains an entry for this variant (Variation ID: 1996285).

NM_031844.3(HNRNPU):c.370G>C (p.Glu124Gln)

Gene: HNRNPU (heterogeneous nuclear ribonucleoprotein U; minus strand). Cytogenetic location: 1q44.
Variant type: single nucleotide variant.
Coding change: c.370G>C on transcript NM_031844.3 (MANE Select); coding-DNA position 370, G replaced by C.
Protein change: p.Glu124Gln; replaces glutamic acid 124 with glutamine.
Molecular consequence: missense variant.
Genome position (GRCh38, 1-based): chr1:244,863,938, C>G on the plus strand (G>C on the coding strand, the complement: HNRNPU is on the minus strand). VCF-style: chr1-244863938-C-G. GRCh37 (hg19) VCF-style: chr1-245027240-C-G.
Other names: c.370G>C, p.Glu124Gln (NM_004501.3); short protein forms E124Q.
Identifiers: ClinVar variation 1996285 (VCV001996285.4), dbSNP rs1473996679, ClinGen allele CA345497274.
Genomic context (GRCh38, chr1:244,863,938, plus strand): 5'-CATCTTCCCCTTCCTGGAAACCCTGATCGTCGCCGTTCTCGTCTTCCGAGGCGGCCTCCT[C>G]CTCCTCCATCGGGCCCGAGTCGGCCGCCCCCGCGGCCCCGTTCTCCTCTCCTAGCTCCAT-3'
Protein context (NP_114032.2, residues 114-134): GAADSGPMEE[Glu124Gln]EAASEDENGD